The following is an entry in ClinVar:

NM_022110.4(FKBPL):c.229_240dup (p.Ser80_His81insSerHisLysSer)

Gene: FKBPL (FKBP prolyl isomerase like; minus strand). Cytogenetic location: 6p21.32.
Variant type: Duplication.
Coding change: c.229_240dup on transcript NM_022110.4 (MANE Select); coding-DNA positions 229 to 240, 12 bases duplicated (TCTCATAAGTCT).
Protein change: p.Ser80_His81insSerHisLysSer.
Genome position (GRCh38, 1-based): chr6:32,129,541-32,129,552, AGACTTATGAGA duplicated on the plus strand (TCTCATAAGTCT on the coding strand, the reverse complement: FKBPL is on the minus strand). VCF-style (leftmost placement, unchanged base first): chr6-32129540-G-GAGACTTATGAGA. GRCh37 (hg19) VCF-style: chr6-32097317-G-GAGACTTATGAGA.
Identifiers: ClinVar variation 3039678 (VCV003039678.2), dbSNP rs373328430, ClinGen allele CA3736669.

ClinVar aggregate classification (germline): Likely benign (0 of 4 stars; one submission).

Conditions:
FKBPL-related disorder. Also called: FKBPL-related condition.

Allele frequency attached by ClinVar (database versions not stated): gnomAD exomes 0.00276; gnomAD 0.00319; ExAC 0.00663; 1000 Genomes Project 0.01158; 1000 Genomes Project 30x 0.01202.

Submission:

PreventionGenetics, part of Exact Sciences
Classification: Likely benign for FKBPL-related condition. Last evaluated: 2019-12-05. Review status: no assertion criteria provided. Collection method: clinical testing. Allele origin: germline.
Comment: This variant is classified as likely benign based on ACMG/AMP sequence variant interpretation guidelines (Richards et al. 2015 PMID: 25741868, with internal and published modifications).